The following is an entry in ClinVar:

ClinVar aggregate classification (germline): Uncertain significance (1 of 4 stars; one submission).

Conditions:
Cardiovascular phenotype. Identifiers: MedGen CN230736.

Submission:

Ambry Genetics
Classification: Uncertain significance for Cardiovascular phenotype. Last evaluated: 2024-08-03. Review status: criteria provided, single submitter. Criteria: Ambry Variant Classification Scheme 2023. Collection method: clinical testing. Allele origin: germline.
Comment: The p.E300G variant (also known as c.899A>G), located in coding exon 11 of the TMEM43 gene, results from an A to G substitution at nucleotide position 899. The glutamic acid at codon 300 is replaced by glycine, an amino acid with similar properties. This amino acid position is conserved. In addition, this alteration is predicted to be deleterious by in silico analysis. Based on the available evidence, the clinical significance of this variant remains unclear.

NM_024334.3(TMEM43):c.899A>G (p.Glu300Gly)

Gene: TMEM43 (transmembrane protein 43; plus strand). Cytogenetic location: 3p25.1.
Variant type: single nucleotide variant.
Coding change: c.899A>G on transcript NM_024334.3 (MANE Select); coding-DNA position 899, A replaced by G.
Protein change: p.Glu300Gly; replaces glutamic acid 300 with glycine.
Molecular consequence: missense variant.
Genome position (GRCh38, 1-based): chr3:14,139,196, A>G. VCF-style: chr3-14139196-A-G. GRCh37 (hg19) VCF-style: chr3-14180696-A-G.
Other names: c.902A>G, p.Glu301Gly (NM_001407274.1); c.896A>G, p.Glu299Gly (NM_001407275.1, NM_001407276.1); c.893A>G, p.Glu298Gly (NM_001407277.1); c.884A>G, p.Glu295Gly (NM_001407278.1); c.824A>G, p.Glu275Gly (NM_001407279.1); c.749A>G, p.Glu250Gly (NM_001407280.1); short protein forms E299G, E300G, E250G, E275G, E295G, E301G, E298G.
Identifiers: ClinVar variation 3458417 (VCV003458417.1).
Genomic context (GRCh38, chr3:14,139,196, plus strand): 5'-CACTGGCCCTCAGCATCCTGACCTGCCCCCACCTTGTCCTGCAGGAGGTGTTTCATAGAG[A>G]ACTAAGGAGCAACTCCATGAAGACCTGGGGCCTGCGGGCAGCTGGCTGGATGGCCATGTT-3'
Protein context (NP_077310.1, residues 290-310): DFSAEEVFHR[Glu300Gly]LRSNSMKTWG